The following is an entry in ClinVar:

NM_001145026.2(PTPRQ):c.6475C>T (p.Arg2159Ter)

Gene: PTPRQ (protein tyrosine phosphatase receptor type Q; plus strand). Cytogenetic location: 12q21.31.
Variant type: single nucleotide variant.
Coding change: c.6475C>T on transcript NM_001145026.2 (MANE Select); coding-DNA position 6475, C replaced by T.
Protein change: p.Arg2159Ter; replaces arginine 2159 with a stop codon.
Molecular consequence: nonsense.
Genome position (GRCh38, 1-based): chr12:80,670,365, C>T. VCF-style: chr12-80670365-C-T. GRCh37 (hg19) VCF-style: chr12-81064144-C-T.
Other names: short protein forms R2159*.
Identifiers: ClinVar variation 523416 (VCV000523416.53), dbSNP rs1445287184, ClinGen allele CA385936344.

ClinVar aggregate classification (germline): Pathogenic. Review status: criteria provided, multiple submitters, no conflicts (2 of 4 stars). 9 submissions from 9 submitters: Pathogenic (8). 1 of the submissions does not count toward it. Last evaluated 2026-09-01.

Conditions:
Type 2 diabetes mellitus. Also called: Type II diabetes mellitus. Identifiers: MedGen C0011860, MeSH D003924, MONDO:0005148, OMIM 125853, HP:0005978.
PTPRQ-related disorder. Also called: PTPRQ-related condition.
Autosomal recessive nonsyndromic hearing loss 84A. Also called: DEAFNESS, AUTOSOMAL RECESSIVE 84A; DEAFNESS, AUTOSOMAL RECESSIVE 84A, WITH VESTIBULAR DYSFUNCTION. Identifiers: Orphanet 90636, MedGen C3150654, MONDO:0013249, OMIM 613391.
Pes cavus. Identifiers: MedGen C0728829, HP:0001761.
Hearing impairment. Also called: Impaired Hearing. Identifiers: MedGen C1384666, MONDO:0005365, HP:0000365.
Pain. Identifiers: MedGen C0030193, HP:0012531.
Impaired vibration sensation in the lower limbs. Identifiers: MedGen C1849134, HP:0002166.
Loss of ambulation. Also called: Loss of ability to walk. Identifiers: MedGen C1836843, HP:0002505.
Unsteady gait. Identifiers: MedGen C0231686, HP:0002317.
Pes planus. Also called: flatfoot; Flat feet. Identifiers: MedGen C0016202, MONDO:0005293, HP:0001763.
Monogenic hearing loss.

Allele frequency attached by ClinVar (database versions not stated): TOPMed 0.00002; gnomAD 0.00003; gnomAD exomes 0.00003.
gnomAD v4.1: 45 of 1,550,562 alleles (0.0029%); highest among the groups gnomAD compares: African/African-American, 0.0041%; no homozygotes.

Submissions (9):

CeGaT Center for Human Genetics Tuebingen
Classification: Pathogenic. Last evaluated: 2026-09-01. Review status: criteria provided, single submitter. Criteria: CeGaT Center For Human Genetics Tuebingen Variant Classification Criteria Version 2. Collection method: clinical testing. Allele origin: germline. Affected: yes. Observed: 8 variant alleles.
Comment: PTPRQ: PVS1, PM3:Strong, PM2

Genetics Laboratory, Great Ormond Street Hospital NHS Foundation Trust, North Thames Genomic Laboratory Hub
Classification: Pathogenic for Monogenic hearing loss. Last evaluated: 2026-08-30. Review status: criteria provided, single submitter. Criteria: ACGS Best Practice Guidelines for Variant Classification in Rare Disease 2024 v1.2. Collection method: clinical testing. Allele origin: germline. Affected: yes.
Comment: PM2_moderate, PVS1_very-strong, PM3_moderate

PreventionGenetics, part of Exact Sciences
Classification: Pathogenic for PTPRQ-related condition. Last evaluated: 2026-05-24. Review status: criteria provided, single submitter. Criteria: ACMG Guidelines, 2015. Collection method: clinical testing. Allele origin: germline.
Comment: The PTPRQ c.6475C>T variant is predicted to result in premature protein termination (p.Arg2159*). This variant was reported in the homozygous state in two individuals with hearing loss (described as p.R1856X, Schrauwen et al. 2013. PubMed ID: 23208854; described as p.Arg2155*, Safka Brozkova et al. 2020. PubMed ID: 32860223). This variant is reported in 0.0066% of alleles in individuals of European (Non-Finnish) descent in gnomAD. Nonsense variants in PTPRQ are expected to be pathogenic. This variant is interpreted as pathogenic.

GeneDx
Classification: Pathogenic. Last evaluated: 2025-03-14. Review status: criteria provided, single submitter. Criteria: GeneDx Variant Classification Process June 2021. Collection method: clinical testing. Allele origin: germline. Affected: yes.
Comment: Nonsense variant predicted to result in protein truncation or nonsense mediated decay in a gene for which loss of function is a known mechanism of disease; Not observed at significant frequency in large population cohorts (gnomAD); This variant is associated with the following publications: (PMID: 23208854, 32860223, 36147510, 34335733)

Blueprint Genetics
Classification: Pathogenic for PTPRQ-related disorders. Last evaluated: 2024-11-08. Review status: criteria provided, single submitter. Criteria: ACMG Guidelines, 2015. Collection method: clinical testing. Allele origin: germline. Affected: yes. Observed: 5 variant alleles.

Human Genetics Bochum, Ruhr University Bochum
Classification: Pathogenic for Autosomal recessive nonsyndromic hearing loss 84A. Last evaluated: 2024-03-22. Review status: criteria provided, single submitter. Criteria: ACMG Guidelines, 2015. Collection method: clinical testing. Allele origin: germline. Affected: yes.
Comment: ACMG criteria used to clasify this variant: PVS1, PS4_MOD, PM3, PM2_SUP

Institute of Medical Genetics and Applied Genomics, University Hospital Tübingen
Classification: Pathogenic. Last evaluated: 2021-02-01. Review status: criteria provided, single submitter. Criteria: ACMG Guidelines, 2015. Collection method: clinical testing. Allele origin: germline. Inheritance: Autosomal recessive inheritance. Affected: yes.

Centre for Mendelian Genomics, University Medical Centre Ljubljana
Classification: Pathogenic for Hearing impairment; Impaired vibration sensation in the lower limbs; Pain; Pes cavus; Pes planus; Loss of ambulation; Unsteady gait. Last evaluated: 2017-01-01. Review status: criteria provided, single submitter. Criteria: ACMG Guidelines, 2015. Collection method: clinical testing. Allele origin: unknown. Affected: yes.

Gene Friend Way, National Innovation Center
Classification: Likely pathogenic for Type 2 diabetes mellitus. Last evaluated: 2025-01-01. Review status: no assertion criteria provided. Collection method: clinical testing. Allele origin: unknown. Affected: yes. Observed: 1 variant allele. Not counted in ClinVar's aggregate classification.
Comment: This nonsense variant has been predicted to result in premature protein truncation and a disruptive protein. PTPRQ plays a regulatory role in adipogenesis (PMID: 19351528). Several PTPs, PTPN22, PTPN2, and UBASH3A, have been associated with risk of type 1 diabetes (T1D) (PMID: 23804260, 36076528, 28607106, 26734582).

Literature cited by the submitters: PubMed 32860223 (cited by Human Genetics Bochum, Ruhr University Bochum); PubMed 34335733 (cited by Human Genetics Bochum, Ruhr University Bochum); PubMed 19351528 (cited by Gene Friend Way, National Innovation Center); PubMed 23804260 (cited by Gene Friend Way, National Innovation Center); PubMed 36076528 (cited by Gene Friend Way, National Innovation Center); PubMed 28607106 (cited by Gene Friend Way, National Innovation Center); PubMed 26734582 (cited by Gene Friend Way, National Innovation Center).